The following is an entry in ClinVar:

ClinVar aggregate classification (germline): Uncertain significance. Review status: criteria provided, multiple submitters, no conflicts (2 of 4 stars). 3 submissions from 3 submitters: Uncertain significance (3). Last evaluated 2024-07-01.

Conditions:
Familial thoracic aortic aneurysm and aortic dissection (TAAD). Also called: Thoracic aortic aneurysms and dissections. Identifiers: Orphanet 91387, MedGen C4707243, MONDO:0019625.

Submissions (3):

Labcorp Genetics (formerly Invitae), Labcorp
Classification: Uncertain significance for Familial thoracic aortic aneurysm and aortic dissection. Last evaluated: 2024-07-01. Review status: criteria provided, single submitter. Criteria: Invitae Variant Classification Sherloc (09022015). Collection method: clinical testing. Allele origin: germline.
Comment: This sequence change replaces glycine, which is neutral and non-polar, with glutamic acid, which is acidic and polar, at codon 261 of the TGFBR1 protein (p.Gly261Glu). This variant is not present in population databases (gnomAD no frequency). This missense change has been observed in individual(s) with clinical features of TGFBR1-related conditions (Invitae). ClinVar contains an entry for this variant (Variation ID: 1677745). Advanced modeling of protein sequence and biophysical properties (such as structural, functional, and spatial information, amino acid conservation, physicochemical variation, residue mobility, and thermodynamic stability) performed at Invitae indicates that this missense variant is expected to disrupt TGFBR1 protein function with a positive predictive value of 80%. In summary, the available evidence is currently insufficient to determine the role of this variant in disease. Therefore, it has been classified as a Variant of Uncertain Significance.

Ambry Genetics
Classification: Uncertain significance for Familial thoracic aortic aneurysm and aortic dissection. Last evaluated: 2023-08-31. Review status: criteria provided, single submitter. Criteria: Ambry Variant Classification Scheme 2023. Collection method: clinical testing. Allele origin: germline.
Comment: The p.G261E variant (also known as c.782G>A), located in coding exon 4 of the TGFBR1 gene, results from a G to A substitution at nucleotide position 782. The glycine at codon 261 is replaced by glutamic acid, an amino acid with similar properties. This amino acid position is highly conserved in available vertebrate species. In addition, this alteration is predicted to be deleterious by in silico analysis. Since supporting evidence is limited at this time, the clinical significance of this alteration remains unclear.

AiLife Diagnostics
Classification: Uncertain significance. Last evaluated: 2021-12-30. Review status: criteria provided, single submitter. Criteria: ACMG Guidelines, 2015. Collection method: clinical testing. Allele origin: germline. Affected: yes. Observed: 1 variant allele.

NM_004612.4(TGFBR1):c.782G>A (p.Gly261Glu)

Gene: TGFBR1 (transforming growth factor beta receptor 1; plus strand). Cytogenetic location: 9q22.33.
Variant type: single nucleotide variant.
Coding change: c.782G>A on transcript NM_004612.4 (MANE Select); coding-DNA position 782, G replaced by A.
Protein change: p.Gly261Glu; replaces glycine 261 with glutamic acid.
Molecular consequence: missense variant.
Genome position (GRCh38, 1-based): chr9:99,138,066, G>A. VCF-style: chr9-99138066-G-A. GRCh37 (hg19) VCF-style: chr9-101900348-G-A.
Other names: c.551G>A, p.Gly184Glu (NM_001130916.3); c.794G>A, p.Gly265Glu (NM_001306210.2); short protein forms G184E, G261E, G265E.
Identifiers: ClinVar variation 1677745 (VCV001677745.6), dbSNP rs2118722783, ClinGen allele CA374230292.